The following is an entry in ClinVar:

NM_001385125.1(OPN1SW):c.6G>A (p.Ser2=)

Gene: OPN1SW (opsin 1, short wave sensitive; minus strand). Cytogenetic location: 7q32.1.
Variant type: single nucleotide variant.
Coding change: c.6G>A on transcript NM_001385125.1 (MANE Select); coding-DNA position 6, G replaced by A.
Protein change: p.Ser2=; no amino-acid change (serine 2 retained).
Molecular consequence: synonymous variant.
Genome position (GRCh38, 1-based): chr7:128,775,776, C>T on the plus strand (G>A on the coding strand, the complement: OPN1SW is on the minus strand). VCF-style: chr7-128775776-C-T. GRCh37 (hg19) VCF-style: chr7-128415830-C-T.
Other names: NM_001708.2:c.15G>A.
Identifiers: ClinVar variation 1166132 (VCV001166132.12), dbSNP rs199617151, ClinGen allele CA4473077.

ClinVar aggregate classification (germline): Benign/Likely benign. Review status: criteria provided, multiple submitters, no conflicts (2 of 4 stars). 3 submissions from 3 submitters: Benign (1); Likely benign (1). 1 of the submissions does not count toward it. Last evaluated 2025-12-29.

Conditions:
OPN1SW-related disorder. Also called: OPN1SW-related condition.

Allele frequency attached by ClinVar (database versions not stated): gnomAD exomes 0.00017 and 0.00058; gnomAD 0.00021 and 0.00026; TOPMed 0.00034; ExAC 0.00060; 1000 Genomes Project 30x 0.00125; 1000 Genomes Project 0.00140.

Submissions (3):

Labcorp Genetics (formerly Invitae), Labcorp
Classification: Benign. Last evaluated: 2025-12-29. Review status: criteria provided, single submitter. Criteria: Invitae Variant Classification Sherloc (09022015). Collection method: clinical testing. Allele origin: germline.

Blueprint Genetics
Classification: Likely benign. Last evaluated: 2024-09-10. Review status: criteria provided, single submitter. Criteria: ACMG Guidelines, 2015. Collection method: clinical testing. Allele origin: germline.

PreventionGenetics, part of Exact Sciences
Classification: Likely benign for OPN1SW-related condition. Last evaluated: 2019-04-16. Review status: no assertion criteria provided. Collection method: clinical testing. Allele origin: germline. Not counted in ClinVar's aggregate classification.
Comment: This variant is classified as likely benign based on ACMG/AMP sequence variant interpretation guidelines (Richards et al. 2015 PMID: 25741868, with internal and published modifications).